The following is an entry in ClinVar:

NM_003722.5(TP63):c.1063G>A (p.Asp355Asn)

Gene: TP63 (tumor protein p63; plus strand). Cytogenetic location: 3q28.
Variant type: single nucleotide variant.
Coding change: c.1063G>A on transcript NM_003722.5 (MANE Select); coding-DNA position 1063, G replaced by A.
Protein change: p.Asp355Asn; replaces aspartic acid 355 with asparagine.
Molecular consequence: missense variant.
Genome position (GRCh38, 1-based): chr3:189,868,650, G>A. VCF-style: chr3-189868650-G-A. GRCh37 (hg19) VCF-style: chr3-189586439-G-A.
Other names: c.1063G>A, p.Asp355Asn (NM_001114978.2, NM_001114979.2, NM_001329144.2 and 1 more transcripts); c.781G>A, p.Asp261Asn (NM_001114980.2, NM_001114981.2, NM_001114982.2 and 2 more transcripts); c.526G>A, p.Asp176Asn (NM_001329146.2, NM_001329150.2); c.1057G>A, p.Asp353Asn (NM_001329964.2); short protein forms D355N, D261N, D176N, D353N.
Identifiers: ClinVar variation 544363 (VCV000544363.4), dbSNP rs1553857889, ClinGen allele CA355755231.

ClinVar aggregate classification (germline): Pathogenic (1 of 4 stars; one submission).

Conditions:
TP63-Related Spectrum Disorders.

Submission:

Labcorp Genetics (formerly Invitae), Labcorp
Classification: Pathogenic. Last evaluated: 2024-06-19. Review status: criteria provided, single submitter. Criteria: Invitae Variant Classification Sherloc (09022015). Collection method: clinical testing. Allele origin: germline.
Comment: This sequence change replaces aspartic acid, which is acidic and polar, with asparagine, which is neutral and polar, at codon 355 of the TP63 protein (p.Asp355Asn). This variant is not present in population databases (gnomAD no frequency). This missense change has been observed in individual(s) with clinical features of ectrodactyly‚Äìectodermal dysplasia‚Äìcleft palate (EEC) syndrome (PMID: 36071541; Invitae). In at least one individual the variant was observed to be de novo. ClinVar contains an entry for this variant (Variation ID: 544363). Advanced modeling performed at Invitae incorporating data from internal and/or published experimental studies (Invitae) indicates that this missense variant is not expected to disrupt TP63 function with a negative predictive value of 80%. For these reasons, this variant has been classified as Pathogenic.

Literature cited by the submitters: PubMed 36071541.